The following is an entry in ClinVar:

ClinVar aggregate classification (germline): Uncertain significance (1 of 4 stars; one submission).

Conditions:
Renal cell carcinoma. Identifiers: Orphanet 217071, MedGen C0007134, MeSH D002292, MONDO:0005086, HP:0005584.

Allele frequency attached by ClinVar (database versions not stated): gnomAD exomes below 0.00001.
gnomAD v4.1: 1 of 1,614,008 alleles (0.000062%); highest among the groups gnomAD compares: South Asian, 0.0011%; no homozygotes.

Submission:

Labcorp Genetics (formerly Invitae), Labcorp
Classification: Uncertain significance for Renal cell carcinoma. Last evaluated: 2022-05-27. Review status: criteria provided, single submitter. Criteria: Invitae Variant Classification Sherloc (09022015). Collection method: clinical testing. Allele origin: germline.
Comment: Algorithms developed to predict the effect of missense changes on protein structure and function are either unavailable or do not agree on the potential impact of this missense change (SIFT: "Deleterious"; PolyPhen-2: "Probably Damaging"; Align-GVGD: "Class C0"). This variant has not been reported in the literature in individuals affected with MET-related conditions. This variant is not present in population databases (gnomAD no frequency). This sequence change replaces leucine, which is neutral and non-polar, with methionine, which is neutral and non-polar, at codon 1230 of the MET protein (p.Leu1230Met). In summary, the available evidence is currently insufficient to determine the role of this variant in disease. Therefore, it has been classified as a Variant of Uncertain Significance.

NM_000245.4(MET):c.3634C>A (p.Leu1212Met)

Gene: MET (MET proto-oncogene, receptor tyrosine kinase; plus strand). Cytogenetic location: 7q31.2.
Variant type: single nucleotide variant.
Coding change: c.3634C>A on transcript NM_000245.4 (MANE Select); coding-DNA position 3634, C replaced by A.
Protein change: p.Leu1212Met; replaces leucine 1212 with methionine.
Molecular consequence: missense variant.
Genome position (GRCh38, 1-based): chr7:116,783,305, C>A. VCF-style: chr7-116783305-C-A. GRCh37 (hg19) VCF-style: chr7-116423359-C-A.
Other names: c.3688C>A, p.Leu1230Met (NM_001127500.3); c.2344C>A, p.Leu782Met (NM_001324402.2); short protein forms L782M, L1212M, L1230M.
Identifiers: ClinVar variation 1999735 (VCV001999735.4), dbSNP rs2117065276, ClinGen allele CA368991363.